The following is an entry in ClinVar:

ClinVar aggregate classification (germline): Uncertain significance (1 of 4 stars; one submission).

Allele frequency attached by ClinVar (database versions not stated): ExAC 0.00001; ESP Exome Variant Server 0.00008.

Submission:

Labcorp Genetics (formerly Invitae), Labcorp
Classification: Uncertain significance. Last evaluated: 2024-02-24. Review status: criteria provided, single submitter. Criteria: Invitae Variant Classification Sherloc (09022015). Collection method: clinical testing. Allele origin: germline.
Comment: This sequence change replaces arginine, which is basic and polar, with glutamine, which is neutral and polar, at codon 589 of the PLEKHG2 protein (p.Arg589Gln). This variant is present in population databases (rs377295123, gnomAD 0.04%). This variant has not been reported in the literature in individuals affected with PLEKHG2-related conditions. ClinVar contains an entry for this variant (Variation ID: 1944579). An algorithm developed to predict the effect of missense changes on protein structure and function (PolyPhen-2) suggests that this variant is likely to be disruptive. In summary, the available evidence is currently insufficient to determine the role of this variant in disease. Therefore, it has been classified as a Variant of Uncertain Significance.

NM_022835.3(PLEKHG2):c.1766G>A (p.Arg589Gln)

Gene: PLEKHG2 (pleckstrin homology and RhoGEF domain containing G2; plus strand). Cytogenetic location: 19q13.2.
Variant type: single nucleotide variant.
Coding change: c.1766G>A on transcript NM_022835.3 (MANE Select); coding-DNA position 1766, G replaced by A.
Protein change: p.Arg589Gln; replaces arginine 589 with glutamine.
Molecular consequence: missense variant. On other transcripts: intron variant (1).
Genome position (GRCh38, 1-based): chr19:39,422,820, G>A. VCF-style: chr19-39422820-G-A. GRCh37 (hg19) VCF-style: chr19-39913460-G-A.
Other names: c.1589G>A, p.Arg530Gln (NM_001351693.2); c.1677+532G>A (NM_001351694.2); short protein forms R530Q, R589Q.
Identifiers: ClinVar variation 1944579 (VCV001944579.5), dbSNP rs377295123, ClinGen allele CA9429648.
Genomic context (GRCh38, chr19:39,422,820, plus strand): 5'-CCGGAGACTCCCAGGTGCCTGGCGACAGCGAAACCCTCACATTCCAAGCCCTGCCCAGCC[G>A]GGACTCTTCAGAAGAGGAGGAGGAGGAAGAGGAAGGGCTGGAGATGGATGAACGGGGGCC-3'
Protein context (NP_073746.2, residues 579-599): ETLTFQALPS[Arg589Gln]DSSEEEEEEE